The following is an entry in ClinVar:

ClinVar aggregate classification (germline): Uncertain significance. Review status: criteria provided, multiple submitters, no conflicts (2 of 4 stars). 2 submissions from 2 submitters: Uncertain significance (2). Last evaluated 2023-11-24.

Conditions:
Arrhythmogenic right ventricular dysplasia 12. Also called: ARRHYTHMOGENIC RIGHT VENTRICULAR DYSPLASIA, FAMILIAL, 12. Identifiers: MedGen C1969081, MONDO:0012684, OMIM 611528.
Naxos disease (NXD). Also called: KERATOSIS PALMOPLANTARIS WITH ARRHYTHMOGENIC CARDIOMYOPATHY; MAL DE NAXOS; PALMOPLANTAR KERATODERMA WITH ARRHYTHMOGENIC RIGHT VENTRICULAR CARDIOMYOPATHY AND WOOLLY HAIR; WOOLLY HAIR, PALMOPLANTAR KERATODERMA, AND CARDIAC ABNORMALITIES; CARDIOMYOPATHY, ARRHYTHMOGENIC RIGHT VENTRICULAR, WITH SKIN, HAIR, AND NAIL ABNORMALITIES. Identifiers: Orphanet 34217, MedGen C1832600, MONDO:0011017, OMIM 601214.

Allele frequency attached by ClinVar (database versions not stated): gnomAD exomes below 0.00001; ExAC 0.00001; gnomAD 0.00001.
gnomAD v4.1: 3 of 1,608,588 alleles (0.00019%); highest among the groups gnomAD compares: African/African-American, 0.0013%; no homozygotes.

Submissions (2):

Labcorp Genetics (formerly Invitae), Labcorp
Classification: Uncertain significance for Arrhythmogenic right ventricular dysplasia 12; Naxos disease. Last evaluated: 2023-11-24. Review status: criteria provided, single submitter. Criteria: Invitae Variant Classification Sherloc (09022015). Collection method: clinical testing. Allele origin: germline.
Comment: This sequence change replaces serine, which is neutral and polar, with phenylalanine, which is neutral and non-polar, at codon 77 of the JUP protein (p.Ser77Phe). The frequency data for this variant in the population databases is considered unreliable, as metrics indicate poor data quality at this position in the gnomAD database. This variant has not been reported in the literature in individuals affected with JUP-related conditions. ClinVar contains an entry for this variant (Variation ID: 2443564). An algorithm developed to predict the effect of missense changes on protein structure and function (PolyPhen-2) suggests that this variant is likely to be tolerated. In summary, the available evidence is currently insufficient to determine the role of this variant in disease. Therefore, it has been classified as a Variant of Uncertain Significance.

GeneDx
Classification: Uncertain significance. Last evaluated: 2022-09-12. Review status: criteria provided, single submitter. Criteria: GeneDx Variant Classification Process June 2021. Collection method: clinical testing. Allele origin: germline. Affected: yes.
Comment: Not observed at significant frequency in large population cohorts (gnomAD); In silico analysis supports that this missense variant does not alter protein structure/function; Has not been previously published as pathogenic or benign to our knowledge

NM_002230.4(JUP):c.230C>T (p.Ser77Phe)

Gene: JUP (junction plakoglobin; minus strand). Cytogenetic location: 17q21.2.
Variant type: single nucleotide variant.
Coding change: c.230C>T on transcript NM_002230.4 (MANE Select); coding-DNA position 230, C replaced by T.
Protein change: p.Ser77Phe; replaces serine 77 with phenylalanine.
Molecular consequence: missense variant.
Genome position (GRCh38, 1-based): chr17:41,769,656, G>A on the plus strand (C>T on the coding strand, the complement: JUP is on the minus strand). VCF-style: chr17-41769656-G-A. GRCh37 (hg19) VCF-style: chr17-39925908-G-A.
Other names: c.230C>T, p.Ser77Phe (NM_001352773.2, NM_001352774.2, NM_001352775.2 and 3 more transcripts); short protein forms S77F.
Identifiers: ClinVar variation 2443564 (VCV002443564.4), dbSNP rs782771565, ClinGen allele CA8565543.
Genomic context (GRCh38, chr17:41,769,656, plus strand): 5'-TCCTCGCCTGACACACCAGGGCACATGGCCTCCCGCACCCGTTTGGCCCTGGCTGTTGTG[G>A]ACATCTGGTACTCCAGATCACCTGGGGGCCATGGGGACAGGGACTGAGTGCAGGCAGTGG-3'
Protein context (NP_002221.1, residues 67-87): PSQGDLEYQM[Ser77Phe]TTARAKRVRE